The following is an entry in ClinVar:

ClinVar aggregate classification (germline): Uncertain significance (1 of 4 stars; one submission).

Conditions:
Chédiak-Higashi syndrome (CHS). Also called: Chediak-Higashi Syndrome. Identifiers: Orphanet 167, MedGen C0007965, MONDO:0008963, OMIM 214500.

Submission:

Labcorp Genetics (formerly Invitae), Labcorp
Classification: Uncertain significance for Chédiak-Higashi syndrome. Last evaluated: 2021-04-23. Review status: criteria provided, single submitter. Criteria: Invitae Variant Classification Sherloc (09022015). Collection method: clinical testing. Allele origin: germline.
Comment: In summary, the available evidence is currently insufficient to determine the role of this variant in disease. Therefore, it has been classified as a Variant of Uncertain Significance. Algorithms developed to predict the effect of missense changes on protein structure and function (SIFT, PolyPhen-2, Align-GVGD) all suggest that this variant is likely to be tolerated, but these predictions have not been confirmed by published functional studies and their clinical significance is uncertain. This variant has not been reported in the literature in individuals with LYST-related conditions. This variant is not present in population databases (ExAC no frequency). This sequence change replaces asparagine with lysine at codon 3527 of the LYST protein (p.Asn3527Lys). The asparagine residue is weakly conserved and there is a moderate physicochemical difference between asparagine and lysine.

NM_000081.4(LYST):c.10581C>G (p.Asn3527Lys)

Gene: LYST (lysosomal trafficking regulator; minus strand). Cytogenetic location: 1q42.3.
Variant type: single nucleotide variant.
Coding change: c.10581C>G on transcript NM_000081.4 (MANE Select); coding-DNA position 10581, C replaced by G.
Protein change: p.Asn3527Lys; replaces asparagine 3527 with lysine.
Molecular consequence: missense variant.
Genome position (GRCh38, 1-based): chr1:235,693,470, G>C on the plus strand (C>G on the coding strand, the complement: LYST is on the minus strand). VCF-style: chr1-235693470-G-C. GRCh37 (hg19) VCF-style: chr1-235856770-G-C.
Other names: c.10581C>G, p.Asn3527Lys (NM_001301365.1); short protein forms N3527K.
Identifiers: ClinVar variation 1390278 (VCV001390278.7), dbSNP rs2527258693, ClinGen allele CA344927059.